The following is an entry in ClinVar:

NM_001042492.3(NF1):c.3302A>C (p.Gln1101Pro)

Gene: NF1 (neurofibromin 1; plus strand). Cytogenetic location: 17q11.2.
Variant type: single nucleotide variant.
Coding change: c.3302A>C on transcript NM_001042492.3 (MANE Select); coding-DNA position 3302, A replaced by C.
Protein change: p.Gln1101Pro; replaces glutamine 1101 with proline.
Molecular consequence: missense variant.
Genome position (GRCh38, 1-based): chr17:31,232,177, A>C. VCF-style: chr17-31232177-A-C. GRCh37 (hg19) VCF-style: chr17-29559195-A-C.
Other names: c.3302A>C, p.Gln1101Pro (NM_000267.4); short protein forms Q1101P.
Identifiers: ClinVar variation 2431022 (VCV002431022.2), dbSNP rs2151433891, ClinGen allele CA398988915.
Genomic context (GRCh38, chr17:31,232,177, plus strand): 5'-CTGGTCTCCCTCTGCAGCCTGAAGAAGGAGATGGTGTGGAATTGATGGAAGCCAAATCAC[A>C]GTTATTTCTTAAGTAAATTTCAGTCACCAAAAAACATAAAGCAAAAAGCAAATAAAGCCC-3'
Protein context (NP_001035957.1, residues 1091-1111): DGVELMEAKS[Gln1101Pro]LFLKYFTLFM

ClinVar aggregate classification (germline): Uncertain significance (1 of 4 stars; one submission).

Submission:

GeneDx
Classification: Uncertain significance. Last evaluated: 2024-12-16. Review status: criteria provided, single submitter. Criteria: GeneDx Variant Classification Process June 2021. Collection method: clinical testing. Allele origin: germline.
Comment: Not observed at significant frequency in large population cohorts (gnomAD); In silico analysis supports that this missense variant has a deleterious effect on protein structure/function; Has not been previously published as pathogenic or benign to our knowledge; This variant is associated with the following publications: (PMID: 2121369, 25486365)